The following is an entry in ClinVar:

NM_007347.5(AP4E1):c.822A>G (p.Gln274=)

Gene: AP4E1 (adaptor related protein complex 4 subunit epsilon 1; plus strand). Cytogenetic location: 15q21.2.
Variant type: single nucleotide variant.
Coding change: c.822A>G on transcript NM_007347.5 (MANE Select); coding-DNA position 822, A replaced by G.
Protein change: p.Gln274=; no amino-acid change (glutamine 274 retained).
Molecular consequence: synonymous variant.
Genome position (GRCh38, 1-based): chr15:50,930,924, A>G. VCF-style: chr15-50930924-A-G. GRCh37 (hg19) VCF-style: chr15-51223121-A-G.
Other names: c.597A>G, p.Gln199= (NM_001252127.2).
Identifiers: ClinVar variation 807256 (VCV000807256.56), dbSNP rs991693986, ClinGen allele CA270517152.

ClinVar aggregate classification (germline): Conflicting classifications of pathogenicity. Review status: criteria provided, conflicting classifications (1 of 4 stars). 5 submissions from 5 submitters: Uncertain significance (2); Likely benign (3). Last evaluated 2024-09-23.

Conditions:
Spastic paraplegia. Identifiers: MedGen C0037772, HP:0001258.
Hereditary spastic paraplegia. Also called: Familial spastic paraparesis. Identifiers: Orphanet 685, MedGen C0037773, MONDO:0019064. Disease mechanism: loss of function.

Allele frequency attached by ClinVar (database versions not stated): TOPMed below 0.00001; gnomAD 0.00001.
gnomAD v4.1: 34 of 1,614,004 alleles (0.0021%); highest among the groups gnomAD compares: African/African-American, 0.031%; 1 homozygote.

Submissions (5):

Blueprint Genetics
Classification: Uncertain significance. Last evaluated: 2024-09-23. Review status: criteria provided, single submitter. Criteria: ACMG Guidelines, 2015. Collection method: clinical testing. Allele origin: germline.

CeGaT Center for Human Genetics Tuebingen
Classification: Likely benign. Last evaluated: 2023-08-01. Review status: criteria provided, single submitter. Criteria: CeGaT Center For Human Genetics Tuebingen Variant Classification Criteria Version 2. Collection method: clinical testing. Allele origin: germline. Affected: yes. Observed: 2 variant alleles.
Comment: AP4E1: BP4, BP7

Labcorp Genetics (formerly Invitae), Labcorp
Classification: Likely benign for Spastic paraplegia. Last evaluated: 2023-03-18. Review status: criteria provided, single submitter. Criteria: Invitae Variant Classification Sherloc (09022015). Collection method: clinical testing. Allele origin: germline.

Genome Diagnostics Laboratory, The Hospital for Sick Children
Classification: Uncertain significance for Hereditary spastic paraplegia. Last evaluated: 2021-06-16. Review status: criteria provided, single submitter. Criteria: ACMG Guidelines, 2015. Collection method: clinical testing. Allele origin: germline. Affected: yes.

Genetic Services Laboratory, University of Chicago
Classification: Likely benign. Last evaluated: 2019-08-30. Review status: criteria provided, single submitter. Criteria: ACMG Guidelines, 2015. Collection method: clinical testing. Allele origin: germline. Affected: no.